The following is an entry in ClinVar:

ClinVar aggregate classification (germline): Uncertain significance (1 of 4 stars; one submission).

Submission:

GeneDx
Classification: Uncertain significance. Last evaluated: 2016-05-11. Review status: criteria provided, single submitter. Criteria: GeneDx Variant Classification (06012015). Collection method: clinical testing. Allele origin: germline. Affected: yes.
Comment: This variant is denoted VHL c.589G>C at the cDNA level, p.Asp197His (D197H) at the protein level, and results in the change of an Aspartic Acid to a Histidine (GAC>CAC). This variant has not, to our knowledge, been published in the literature as pathogenic or benign. VHL Asp197His was not observed in approximately 6,500 individuals of European and African American ancestry in the NHLBI Exome Sequencing Project, suggesting it is not a common benign variant in these populations. Since Aspartic Acid and Histidine differ in polarity, charge, size or other properties, this is considered a non-conservative amino acid substitution. VHL Asp197His occurs at a position that is conserved across species and is located within the beta domain (Yuen 2009). In silico analyses predict that this variant is probably damaging to protein structure and function. Based on currently available evidence, it is unclear whether VHL Asp197His is a pathogenic or benign variant. We consider it to be a variant of uncertain significance.

NM_000551.4(VHL):c.589G>C (p.Asp197His)

Genes: VHL (von Hippel-Lindau tumor suppressor; plus strand), LOC107303340 (3p25 von Hippel-Lindau tumor suppressor, E3 ubiquitin protein ligase Alu-mediated recombination region; plus strand). Cytogenetic location: 3p25.3.
Variant type: single nucleotide variant.
Coding change: c.589G>C on transcript NM_000551.4 (MANE Select); coding-DNA position 589, G replaced by C.
Protein change: p.Asp197His; replaces aspartic acid 197 with histidine.
Molecular consequence: missense variant. On other transcripts: 3 prime UTR variant (1).
Genome position (GRCh38, 1-based): chr3:10,149,912, G>C. VCF-style: chr3-10149912-G-C. GRCh37 (hg19) VCF-style: chr3-10191596-G-C.
Other names: c.*143G>C (NM_001354723.2); c.466G>C, p.Asp156His (NM_198156.3); short protein forms D197H, D156H.
Identifiers: ClinVar variation 421162 (VCV000421162.2), dbSNP rs1064794951, ClinGen allele CA16617793.